The following is an entry in ClinVar:

ClinVar aggregate classification (germline): Conflicting classifications of pathogenicity. Review status: criteria provided, conflicting classifications (1 of 4 stars). 7 submissions from 6 submitters: Pathogenic (1); Likely pathogenic (2); Uncertain significance (3). 1 of the submissions does not count toward it. Last evaluated 2025-10-21.

Conditions:
Retinal dystrophy. Also called: Inherited retinal dystrophy. Identifiers: Orphanet 71862, MedGen C0854723, MeSH D058499, MONDO:0019118, HP:0000556.
Retinitis pigmentosa 39 (RP39). Identifiers: Orphanet 791, MedGen C3151138, MONDO:0013436, OMIM 613809.
Usher syndrome type 2A. Also called: USHER SYNDROME, TYPE IIA; RETINAL DISEASE IN USHER SYNDROME TYPE IIA, MODIFIER OF. Identifiers: Orphanet 231178, Orphanet 886, MedGen C1848634, MONDO:0010169, OMIM 276901.

Submissions (7):

Natera, Inc.
Classification: Likely pathogenic for Usher syndrome type 2A. Last evaluated: 2025-10-21. Review status: criteria provided, single submitter. Criteria: Natera Variant Classification Schema (03/2026). Collection method: clinical testing. Allele origin: germline.
Comment: The c.3596_3598delAAG variant in USH2A is an in-frame deletion predicted to remove glutamic acid at amino acid 1199 while preserving the reading frame. This variant is rare in the general population with a frequency below the threshold expected for the associated phenotype(s). This variant has been observed in one or more individuals affected with the associated recessive disease, as either homozygous or compound heterozygous with a second variant (PMID: 31213501). This variant results in a change to the protein length while preserving reading frame, which may disrupt normal protein structure or function. Computational prediction algorithms indicate this variant is likely to affect gene or protein function. Given the available evidence, this variant is classified as Likely Pathogenic.

Baylor Genetics
Classification: Pathogenic for Retinitis pigmentosa 39. Last evaluated: 2024-02-12. Review status: criteria provided, single submitter. Criteria: ACMG Guidelines, 2015. Collection method: clinical testing. Allele origin: unknown.

Labcorp Genetics (formerly Invitae), Labcorp
Classification: Uncertain significance. Last evaluated: 2023-12-11. Review status: criteria provided, single submitter. Criteria: Invitae Variant Classification Sherloc (09022015). Collection method: clinical testing. Allele origin: germline.
Comment: This variant, c.3596_3598del, results in the deletion of 1 amino acid(s) of the USH2A protein (p.Glu1199del), but otherwise preserves the integrity of the reading frame. This variant is not present in population databases (gnomAD no frequency). This variant has been observed in individual(s) with retinitis pigmentosa (PMID: 25078356, 31213501, 33105608, 33629268). ClinVar contains an entry for this variant (Variation ID: 550234). In summary, the available evidence is currently insufficient to determine the role of this variant in disease. Therefore, it has been classified as a Variant of Uncertain Significance.

Genome-Nilou Lab
Classification: Uncertain significance for Retinitis pigmentosa 39. Last evaluated: 2023-11-04. Review status: criteria provided, single submitter. Criteria: ACMG Guidelines, 2015. Collection method: clinical testing. Allele origin: germline. Affected: no.

Genome-Nilou Lab
Classification: Uncertain significance for Usher syndrome type 2A. Last evaluated: 2023-11-04. Review status: criteria provided, single submitter. Criteria: ACMG Guidelines, 2015. Collection method: clinical testing. Allele origin: germline. Affected: no.

Dept Of Ophthalmology, Nagoya University
Classification: Likely pathogenic for Retinal dystrophy. Last evaluated: 2023-10-01. Review status: criteria provided, single submitter. Criteria: Submitter's publication. Collection method: research. Allele origin: germline. Affected: yes.

Counsyl
Classification: Uncertain significance for Usher syndrome type 2A; Retinitis pigmentosa 39. Last evaluated: 2016-12-23. Review status: no assertion criteria provided. Collection method: clinical testing. Allele origin: unknown. Not counted in ClinVar's aggregate classification.

Literature cited by the submitters: PubMed 31213501 (cited by Natera, Inc. and Labcorp Genetics (formerly Invitae), Labcorp); PubMed 25078356 (cited by Labcorp Genetics (formerly Invitae), Labcorp and Counsyl); PubMed 33105608 (cited by Labcorp Genetics (formerly Invitae), Labcorp); PubMed 33629268 (cited by Labcorp Genetics (formerly Invitae), Labcorp).

NM_206933.4(USH2A):c.3596_3598del (p.Glu1199del)

Genes: USH2A (usherin; minus strand), USH2A-AS1 (USH2A antisense RNA 1; plus strand). Cytogenetic location: 1q41.
Variant type: Deletion.
Coding change: c.3596_3598del on transcript NM_206933.4 (MANE Select); coding-DNA positions 3596 to 3598, 3 bases deleted (AAG; older notation c.3596_3598delAAG).
Protein change: p.Glu1199del; deletes glutamic acid 1199.
Molecular consequence: inframe deletion.
Genome position (GRCh38, 1-based): chr1:216,199,840-216,199,842, CTT deleted on the plus strand (AAG on the coding strand, the reverse complement: USH2A is on the minus strand); deleting any 3 consecutive bases within chr1:216,199,840-216,199,843 gives the same sequence; the c. name uses the placement nearest the transcript's 3' end. VCF-style (leftmost placement, unchanged base first): chr1-216199839-CCTT-C. GRCh37 (hg19) VCF-style: chr1-216373181-CCTT-C.
Other names: c.3596_3598del, p.Glu1199del (NM_007123.6); c.3596_3598delAAG (NM_206933.4); short protein forms E1199del.
Identifiers: ClinVar variation 550234 (VCV000550234.9), dbSNP rs1294733964, ClinGen allele CA658822782.